The following is an entry in ClinVar:

ClinVar aggregate classification (germline): Uncertain significance (1 of 4 stars; one submission).

Conditions:
Hyperaldosteronism, familial, type IV (HALD4). Also called: FH IV; ALDOSTERONISM, PRIMARY, AND HYPERTENSION. Identifiers: Orphanet 642671, MedGen C4310756, MONDO:0014875, OMIM 617027.
Idiopathic generalized epilepsy. Also called: EIG; Generalised epilepsy. Identifiers: MedGen C0270850, MONDO:0005579, OMIM 600669.

Submission:

Labcorp Genetics (formerly Invitae), Labcorp
Classification: Uncertain significance for Idiopathic generalized epilepsy; Hyperaldosteronism, familial, type IV. Last evaluated: 2024-02-06. Review status: criteria provided, single submitter. Criteria: Invitae Variant Classification Sherloc (09022015). Collection method: clinical testing. Allele origin: germline.
Comment: This sequence change falls in intron 25 of the CACNA1H gene. It does not directly change the encoded amino acid sequence of the CACNA1H protein. It affects a nucleotide within the consensus splice site. This variant is not present in population databases (gnomAD no frequency). This variant has not been reported in the literature in individuals affected with CACNA1H-related conditions. Variants that disrupt the consensus splice site are a relatively common cause of aberrant splicing (PMID: 17576681, 9536098). Algorithms developed to predict the effect of sequence changes on RNA splicing suggest that this variant may disrupt the consensus splice site. In summary, the available evidence is currently insufficient to determine the role of this variant in disease. Therefore, it has been classified as a Variant of Uncertain Significance.

Literature cited by the submitters: PubMed 17576681; PubMed 9536098.

NM_021098.3(CACNA1H):c.4759+4A>C

Gene: CACNA1H (calcium voltage-gated channel subunit alpha1 H; plus strand). Cytogenetic location: 16p13.3.
Variant type: single nucleotide variant.
Coding change: c.4759+4A>C on transcript NM_021098.3 (MANE Select); 4 bases into the intron after coding-DNA position 4759, A replaced by C.
Molecular consequence: intron variant.
Genome position (GRCh38, 1-based): chr16:1,212,142, A>C. VCF-style: chr16-1212142-A-C. GRCh37 (hg19) VCF-style: chr16-1262142-A-C.
Other names: c.4759+4A>C (NM_001005407.2).
Identifiers: ClinVar variation 3754456 (VCV003754456.2).